The following is an entry in ClinVar:

ClinVar aggregate classification (germline): Likely benign (1 of 4 stars; one submission).

Submission:

GeneDx
Classification: Likely benign. Last evaluated: 2017-08-23. Review status: criteria provided, single submitter. Criteria: GeneDx Variant Classification (06012015). Collection method: clinical testing. Allele origin: germline. Affected: yes.
Comment: This variant is considered likely benign or benign based on one or more of the following criteria: it is a conservative change, it occurs at a poorly conserved position in the protein, it is predicted to be benign by multiple in silico algorithms, and/or has population frequency not consistent with disease.

NM_000090.4(COL3A1):c.3525+17A>G

Gene: COL3A1 (collagen type III alpha 1 chain; plus strand). Cytogenetic location: 2q32.2.
Variant type: single nucleotide variant.
Coding change: c.3525+17A>G on transcript NM_000090.4 (MANE Select); 17 bases into the intron after coding-DNA position 3525, A replaced by G.
Molecular consequence: intron variant.
Genome position (GRCh38, 1-based): chr2:189,008,159, A>G. VCF-style: chr2-189008159-A-G. GRCh37 (hg19) VCF-style: chr2-189872885-A-G.
Identifiers: ClinVar variation 511508 (VCV000511508.1), dbSNP rs1553509677, ClinGen allele CA658796125.